The following is an entry in ClinVar:

NM_005732.4(RAD50):c.2677G>A (p.Glu893Lys)

Gene: RAD50 (RAD50 double strand break repair protein; plus strand). Cytogenetic location: 5q31.1.
Variant type: single nucleotide variant.
Coding change: c.2677G>A on transcript NM_005732.4 (MANE Select); coding-DNA position 2677, G replaced by A.
Protein change: p.Glu893Lys; replaces glutamic acid 893 with lysine.
Molecular consequence: missense variant.
Genome position (GRCh38, 1-based): chr5:132,604,958, G>A. VCF-style: chr5-132604958-G-A. GRCh37 (hg19) VCF-style: chr5-131940650-G-A.
Other names: short protein forms E893K.
Identifiers: ClinVar variation 2791188 (VCV002791188.3), dbSNP rs1215003869, ClinGen allele CA360956842.
Genomic context (GRCh38, chr5:132,604,958, plus strand): 5'-GAGAAACTTCAGATATCCACTAATTTGCAACGTCGTCAGCAACTGGAGGAGCAGACTGTG[G>A]AATTATCCACTGAAGTTCAGTCTTTGTACAGAGAGATAAAGGTAAGAATATCCATACATG-3'
Protein context (NP_005723.2, residues 883-903): RRQQLEEQTV[Glu893Lys]LSTEVQSLYR

ClinVar aggregate classification (germline): Uncertain significance (1 of 4 stars; one submission).

Conditions:
Hereditary cancer-predisposing syndrome. Also called: Hereditary Cancer Syndrome; Neoplastic Syndromes, Hereditary; Tumor predisposition; Hereditary neoplastic syndrome. Identifiers: Orphanet 140162, MedGen C0027672, MeSH D009386, MONDO:0015356.

Allele frequency attached by ClinVar (database versions not stated): gnomAD exomes below 0.00001.
gnomAD v4.1: 1 of 1,613,874 alleles (0.000062%); highest among the groups gnomAD compares: Admixed American, 0.0017%; no homozygotes.

Submission:

Labcorp Genetics (formerly Invitae), Labcorp
Classification: Uncertain significance for Hereditary cancer-predisposing syndrome. Last evaluated: 2024-04-10. Review status: criteria provided, single submitter. Criteria: Invitae Variant Classification Sherloc (09022015). Collection method: clinical testing. Allele origin: germline.
Comment: This sequence change replaces glutamic acid, which is acidic and polar, with lysine, which is basic and polar, at codon 893 of the RAD50 protein (p.Glu893Lys). This variant is present in population databases (no rsID available, gnomAD 0.003%). This variant has not been reported in the literature in individuals affected with RAD50-related conditions. Advanced modeling of protein sequence and biophysical properties (such as structural, functional, and spatial information, amino acid conservation, physicochemical variation, residue mobility, and thermodynamic stability) performed at Invitae indicates that this missense variant is not expected to disrupt RAD50 protein function with a negative predictive value of 80%. In summary, the available evidence is currently insufficient to determine the role of this variant in disease. Therefore, it has been classified as a Variant of Uncertain Significance.